The following is an entry in ClinVar:

NM_006231.4(POLE):c.5443G>T (p.Asp1815Tyr)

Gene: POLE (DNA polymerase epsilon, catalytic subunit; minus strand). Cytogenetic location: 12q24.33.
Variant type: single nucleotide variant.
Coding change: c.5443G>T on transcript NM_006231.4 (MANE Select); coding-DNA position 5443, G replaced by T.
Protein change: p.Asp1815Tyr; replaces aspartic acid 1815 with tyrosine.
Molecular consequence: missense variant.
Genome position (GRCh38, 1-based): chr12:132,639,234, C>A on the plus strand (G>T on the coding strand, the complement: POLE is on the minus strand). VCF-style: chr12-132639234-C-A. GRCh37 (hg19) VCF-style: chr12-133215820-C-A.
Other names: c.5443G>T (NM_006231.2); short protein forms D1815Y.
Identifiers: ClinVar variation 1422230 (VCV001422230.5), dbSNP rs2138510327, ClinGen allele CA387374806.

ClinVar aggregate classification (germline): Uncertain significance. Review status: criteria provided, multiple submitters, no conflicts (2 of 4 stars). 2 submissions from 2 submitters: Uncertain significance (2). Last evaluated 2025-08-20.

Conditions:
Hereditary cancer-predisposing syndrome. Also called: Neoplastic Syndromes, Hereditary; Hereditary Cancer Syndrome; Hereditary neoplastic syndrome; Tumor predisposition. Identifiers: Orphanet 140162, MedGen C0027672, MeSH D009386, MONDO:0015356.

Submissions (2):

Ambry Genetics
Classification: Uncertain significance for Hereditary cancer-predisposing syndrome. Last evaluated: 2025-08-20. Review status: criteria provided, single submitter. Criteria: Ambry Variant Classification Scheme 2023. Collection method: clinical testing. Allele origin: germline.
Comment: The p.D1815Y variant (also known as c.5443G>T), located in coding exon 40 of the POLE gene, results from a G to T substitution at nucleotide position 5443. The aspartic acid at codon 1815 is replaced by tyrosine, an amino acid with highly dissimilar properties. This amino acid position is conserved. In addition, this alteration is predicted to be deleterious by in silico analysis. Based on the available evidence, the clinical significance of this variant remains unclear.

Labcorp Genetics (formerly Invitae), Labcorp
Classification: Uncertain significance. Last evaluated: 2024-01-28. Review status: criteria provided, single submitter. Criteria: Invitae Variant Classification Sherloc (09022015). Collection method: clinical testing. Allele origin: germline.
Comment: This sequence change replaces aspartic acid, which is acidic and polar, with tyrosine, which is neutral and polar, at codon 1815 of the POLE protein (p.Asp1815Tyr). This variant is not present in population databases (gnomAD no frequency). This variant has not been reported in the literature in individuals affected with POLE-related conditions. ClinVar contains an entry for this variant (Variation ID: 1422230). Advanced modeling of protein sequence and biophysical properties (such as structural, functional, and spatial information, amino acid conservation, physicochemical variation, residue mobility, and thermodynamic stability) performed at Invitae indicates that this missense variant is expected to disrupt POLE protein function with a positive predictive value of 80%. In summary, the available evidence is currently insufficient to determine the role of this variant in disease. Therefore, it has been classified as a Variant of Uncertain Significance.